The following is an entry in ClinVar:

NM_006767.4(LZTR1):c.827_828del (p.Gly276fs)

Gene: LZTR1 (leucine zipper like post translational regulator 1; plus strand). Cytogenetic location: 22q11.21.
Variant type: Deletion.
Coding change: c.827_828del on transcript NM_006767.4 (MANE Select); coding-DNA positions 827 to 828, 2 bases deleted (GC; older notation c.827_828delGC).
Protein change: p.Gly276fs; shifts the reading frame from glycine 276.
Molecular consequence: frameshift variant.
Genome position (GRCh38, 1-based): chr22:20,991,663-20,991,664, GC deleted. VCF-style (leftmost placement, unchanged base first): chr22-20991662-GGC-G. GRCh37 (hg19) VCF-style: chr22-21345951-GGC-G.
Other names: short protein forms G276fs.
Identifiers: ClinVar variation 4722915 (VCV004722915.1).

ClinVar aggregate classification (germline): Pathogenic (1 of 4 stars; one submission).

Submission:

Labcorp Genetics (formerly Invitae), Labcorp
Classification: Pathogenic. Last evaluated: 2025-07-09. Review status: criteria provided, single submitter. Criteria: Invitae Variant Classification Sherloc (09022015). Collection method: clinical testing. Allele origin: germline.
Comment: This sequence change creates a premature translational stop signal (p.Gly276Valfs*17) in the LZTR1 gene. It is expected to result in an absent or disrupted protein product. Loss-of-function variants in LZTR1 are known to be pathogenic (PMID: 24362817, 25335493, 25480913, 25795793, 29469822, 30368668, 30442762, 30442766, 30481304, 30859559). This variant is not present in population databases (gnomAD no frequency). This variant has not been reported in the literature in individuals affected with LZTR1-related conditions. For these reasons, this variant has been classified as Pathogenic.

Literature cited by the submitters: PubMed 24362817; PubMed 25335493; PubMed 25480913; PubMed 25795793; PubMed 29469822; PubMed 30368668; PubMed 30442762; PubMed 30442766; PubMed 30481304; PubMed 30859559.